The following is an entry in ClinVar:

NM_001242896.3(DEPDC5):c.3145G>A (p.Ala1049Thr)

Gene: DEPDC5 (DEP domain containing 5, GATOR1 subcomplex subunit; plus strand). Cytogenetic location: 22q12.3.
Variant type: single nucleotide variant.
Coding change: c.3145G>A on transcript NM_001242896.3 (MANE Select); coding-DNA position 3145, G replaced by A.
Protein change: p.Ala1049Thr; replaces alanine 1049 with threonine.
Molecular consequence: missense variant. On other transcripts: non-coding transcript variant (5).
Genome position (GRCh38, 1-based): chr22:31,846,957, G>A. VCF-style: chr22-31846957-G-A. GRCh37 (hg19) VCF-style: chr22-32242943-G-A.
Other names: c.3118G>A, p.Ala1040Thr (NM_001136029.4, NM_001369903.1, NM_014662.6); c.2911G>A, p.Ala971Thr (NM_001242897.2, NM_001363854.2, NM_001364319.2); c.3145G>A, p.Ala1049Thr (NM_001363852.2, NM_001364318.2, NM_001364320.2); c.3061G>A, p.Ala1021Thr (NM_001369901.1, NM_001369902.1); short protein forms A1049T, A1021T, A971T, A1040T.
Identifiers: ClinVar variation 4730776 (VCV004730776.1).

ClinVar aggregate classification (germline): Uncertain significance (1 of 4 stars; one submission).

Conditions:
Familial focal epilepsy with variable foci (FPEVF). Identifiers: Orphanet 98820, MedGen C1858477, MONDO:0020310.

Submission:

Labcorp Genetics (formerly Invitae), Labcorp
Classification: Uncertain significance for Familial focal epilepsy with variable foci. Last evaluated: 2025-11-10. Review status: criteria provided, single submitter. Criteria: Invitae Variant Classification Sherloc (09022015). Collection method: clinical testing. Allele origin: germline.
Comment: This sequence change replaces alanine, which is neutral and non-polar, with threonine, which is neutral and polar, at codon 1049 of the DEPDC5 protein (p.Ala1049Thr). This variant is not present in population databases (gnomAD no frequency). This variant has not been reported in the literature in individuals affected with DEPDC5-related conditions. Experimental studies and prediction algorithms are not available or were not evaluated, and the functional significance of this variant is currently unknown. In summary, the available evidence is currently insufficient to determine the role of this variant in disease. Therefore, it has been classified as a Variant of Uncertain Significance.